The following is an entry in ClinVar:

NM_145725.3(TRAF3):c.971_974del (p.Asp324fs)

Gene: TRAF3 (TNF receptor associated factor 3; plus strand). Cytogenetic location: 14q32.32.
Variant type: Deletion.
Coding change: c.971_974del on transcript NM_145725.3 (MANE Select); coding-DNA positions 971 to 974, 4 bases deleted (ACAG; older notation c.971_974delACAG).
Protein change: p.Asp324fs; shifts the reading frame from aspartic acid 324.
Molecular consequence: frameshift variant.
Genome position (GRCh38, 1-based): chr14:102,903,265-102,903,268, ACAG deleted; deleting any 4 consecutive bases within chr14:102,903,263-102,903,268 gives the same sequence; the c. name uses the placement nearest the transcript's 3' end. VCF-style (leftmost placement, unchanged base first): chr14-102903262-TAGAC-T. GRCh37 (hg19) VCF-style: chr14-103369599-TAGAC-T.
Other names: c.722_725del, p.Asp241fs (NM_001199427.2); c.830_833del, p.Asp277fs (NM_001385142.1); c.890_893del, p.Asp297fs (NM_001385143.1); c.971_974del, p.Asp324fs (NM_003300.4); c.896_899del, p.Asp299fs (NM_145726.3); short protein forms D324fs, D299fs, D241fs, D277fs, D297fs.
Identifiers: ClinVar variation 1397455 (VCV001397455.6), dbSNP rs2140001356, ClinGen allele CA2573150546.
Genomic context (GRCh38, chr14:102,903,262, plus strand): 5'-GCATTTTCCGAGTCCTAACTGTGTTTTGCTTTTTAACACCTTTGGTTTGGAAGCGAGTGA[TAGAC>T]AGCCAAGCAGAGAAACTGAAGGAGCTTGACAAGGAGATCCGGCCCTTCCGGCAGAACTGG-3'

ClinVar aggregate classification (germline): Uncertain significance (1 of 4 stars; one submission).

Conditions:
Immunodeficiency 132A. Also called: Herpes simplex encephalitis, susceptibility to, 3. Identifiers: Orphanet 1930, MedGen C3553868, MONDO:0013920, OMIM 614849.

Submission:

Labcorp Genetics (formerly Invitae), Labcorp
Classification: Uncertain significance for Immunodeficiency 132A. Last evaluated: 2025-07-14. Review status: criteria provided, single submitter. Criteria: Invitae Variant Classification Sherloc (09022015). Collection method: clinical testing. Allele origin: germline.
Comment: This sequence change creates a premature translational stop signal (p.Asp324Alafs*6) in the TRAF3 gene. It is expected to result in an absent or disrupted protein product. However, the current clinical and genetic evidence is not sufficient to establish whether loss-of-function variants in TRAF3 cause disease. This variant is not present in population databases (gnomAD no frequency). This variant has not been reported in the literature in individuals affected with TRAF3-related conditions. ClinVar contains an entry for this variant (Variation ID: 1397455). In summary, the available evidence is currently insufficient to determine the role of this variant in disease. Therefore, it has been classified as a Variant of Uncertain Significance.